The following is an entry in ClinVar:

NM_000551.4(VHL):c.104C>T (p.Ala35Val)

Gene: VHL (von Hippel-Lindau tumor suppressor; plus strand). Cytogenetic location: 3p25.3.
Variant type: single nucleotide variant.
Coding change: c.104C>T on transcript NM_000551.4 (MANE Select); coding-DNA position 104, C replaced by T.
Protein change: p.Ala35Val; replaces alanine 35 with valine.
Molecular consequence: missense variant.
Genome position (GRCh38, 1-based): chr3:10,141,951, C>T. VCF-style: chr3-10141951-C-T. GRCh37 (hg19) VCF-style: chr3-10183635-C-T.
Other names: c.104C>T, p.Ala35Val (NM_001354723.2, NM_198156.3); short protein forms A35V.
Identifiers: ClinVar variation 526678 (VCV000526678.12), dbSNP rs587780536, ClinGen allele CA70042288.

ClinVar aggregate classification (germline): Uncertain significance. Review status: criteria provided, multiple submitters, no conflicts (2 of 4 stars). 3 submissions from 3 submitters: Uncertain significance (3). Last evaluated 2025-05-05.

Conditions:
Hereditary cancer-predisposing syndrome. Also called: Neoplastic Syndromes, Hereditary; Tumor predisposition; Hereditary neoplastic syndrome; Hereditary Cancer Syndrome. Identifiers: Orphanet 140162, MedGen C0027672, MeSH D009386, MONDO:0015356.
Chuvash polycythemia. Also called: POLYCYTHEMIA, VHL-DEPENDENT. Identifiers: Orphanet 238557, MedGen C1837915, MONDO:0009892, OMIM 263400.
Von Hippel-Lindau syndrome (VHLS). Also called: von Hippel–Lindau syndrome; VHL syndrome; Von Hippel-Lindau. Identifiers: Orphanet 892, MedGen C0019562, MONDO:0008667, OMIM 193300. Disease mechanism: loss of function.
Nonpapillary renal cell carcinoma. Identifiers: Orphanet 422526, MedGen CN074294, MONDO:0007763, OMIM 144700.

Allele frequency attached by ClinVar (database versions not stated): gnomAD below 0.00001 and 0.00002; gnomAD exomes 0.00001.
gnomAD v4.1: 16 of 1,544,318 alleles (0.001%); highest among the groups gnomAD compares: South Asian, 0.018%; no homozygotes.

Submissions (3):

Labcorp Genetics (formerly Invitae), Labcorp
Classification: Uncertain significance for Von Hippel-Lindau syndrome; Chuvash polycythemia. Last evaluated: 2025-05-05. Review status: criteria provided, single submitter. Criteria: Invitae Variant Classification Sherloc (09022015). Collection method: clinical testing. Allele origin: germline.
Comment: This sequence change replaces alanine, which is neutral and non-polar, with valine, which is neutral and non-polar, at codon 35 of the VHL protein (p.Ala35Val). This variant is present in population databases (no rsID available, gnomAD 0.004%). This variant has not been reported in the literature in individuals affected with VHL-related conditions. ClinVar contains an entry for this variant (Variation ID: 526678). Invitae Evidence Modeling of protein sequence and biophysical properties (such as structural, functional, and spatial information, amino acid conservation, physicochemical variation, residue mobility, and thermodynamic stability) has been performed for this missense variant. However, the output from this modeling did not meet the statistical confidence thresholds required to predict the impact of this variant on VHL protein function. In summary, the available evidence is currently insufficient to determine the role of this variant in disease. Therefore, it has been classified as a Variant of Uncertain Significance.

Department of Pathology and Laboratory Medicine, Sinai Health System
Classification: Uncertain significance for Nonpapillary renal cell carcinoma; Von Hippel-Lindau syndrome. Last evaluated: 2023-10-18. Review status: criteria provided, single submitter. Criteria: ACMG Guidelines, 2015. Collection method: clinical testing. Allele origin: germline. Affected: yes.

Ambry Genetics
Classification: Uncertain significance for Hereditary cancer-predisposing syndrome. Last evaluated: 2023-06-15. Review status: criteria provided, single submitter. Criteria: Ambry Variant Classification Scheme 2023. Collection method: clinical testing. Allele origin: germline.
Comment: The p.A35V variant (also known as c.104C>T), located in coding exon 1 of the VHL gene, results from a C to T substitution at nucleotide position 104. The alanine at codon 35 is replaced by valine, an amino acid with similar properties. This amino acid position is well conserved in available vertebrate species. In addition, this alteration is predicted to be tolerated by in silico analysis. Since supporting evidence is limited at this time, the clinical significance of this alteration remains unclear.